The following is an entry in ClinVar:

ClinVar aggregate classification (germline): Uncertain significance (1 of 4 stars; one submission).

Conditions:
Familial thoracic aortic aneurysm and aortic dissection (TAAD). Also called: Thoracic aortic aneurysms and dissections. Identifiers: Orphanet 91387, MedGen C4707243, MONDO:0019625.

gnomAD v4.1: 3 of 1,547,074 alleles (0.00019%); highest among the groups gnomAD compares: Non-Finnish European, 0.00027%; no homozygotes.

Submission:

Ambry Genetics
Classification: Uncertain significance for Familial thoracic aortic aneurysm and aortic dissection. Last evaluated: 2024-07-24. Review status: criteria provided, single submitter. Criteria: Ambry Variant Classification Scheme 2023. Collection method: clinical testing. Allele origin: germline.
Comment: The p.K232N variant (also known as c.696A>T), located in coding exon 4 of the PRKG1 gene, results from an A to T substitution at nucleotide position 696. The lysine at codon 232 is replaced by asparagine, an amino acid with similar properties. This amino acid position is conserved. In addition, this alteration is predicted to be tolerated by in silico analysis. Based on the available evidence, the clinical significance of this variant remains unclear.

NM_006258.4(PRKG1):c.696A>T (p.Lys232Asn)

Gene: PRKG1 (protein kinase cGMP-dependent 1; plus strand). Cytogenetic location: 10q21.1.
Variant type: single nucleotide variant.
Coding change: c.696A>T on transcript NM_006258.4 (MANE Select); coding-DNA position 696, A replaced by T.
Protein change: p.Lys232Asn; replaces lysine 232 with asparagine.
Molecular consequence: missense variant.
Genome position (GRCh38, 1-based): chr10:51,804,688, A>T. VCF-style: chr10-51804688-A-T. GRCh37 (hg19) VCF-style: chr10-53564448-A-T.
Other names: c.651A>T, p.Lys217Asn (NM_001098512.3); c.696A>T, p.Lys232Asn (NM_001374782.1); short protein forms K217N, K232N.
Identifiers: ClinVar variation 3425426 (VCV003425426.1).